The following is an entry in ClinVar:

NM_001302371.3(NBPF10):c.1314C>G (p.Asp438Glu)

Gene: NBPF10 (NBPF member 10; minus strand). Cytogenetic location: 1q21.1.
Variant type: single nucleotide variant.
Coding change: c.1314C>G on transcript NM_001302371.3 (MANE Select); coding-DNA position 1314, C replaced by G.
Protein change: p.Asp438Glu; replaces aspartic acid 438 with glutamic acid.
Molecular consequence: missense variant.
Genome position (GRCh38, 1-based): chr1:146,134,258, G>C on the plus strand (C>G on the coding strand, the complement: NBPF10 is on the minus strand). VCF-style: chr1-146134258-G-C. GRCh37 (hg19) VCF-style: chr1-145303917-C-G.
Other names: c.1314C>G, p.Asp438Glu (NM_001039703.6); short protein forms D438E.
Identifiers: ClinVar variation 3250557 (VCV003250557.18), dbSNP rs202002098.

ClinVar aggregate classification (germline): Likely benign (1 of 4 stars; one submission).

Allele frequency attached by ClinVar (database versions not stated): 1000 Genomes Project 0.00180; 1000 Genomes Project 30x 0.00203; gnomAD 0.00422; ExAC 0.00549; ESP Exome Variant Server 0.00635.

Submission:

CeGaT Center for Human Genetics Tuebingen
Classification: Likely benign. Last evaluated: 2026-07-01. Review status: criteria provided, single submitter. Criteria: CeGaT Center For Human Genetics Tuebingen Variant Classification Criteria Version 2. Collection method: clinical testing. Allele origin: germline. Affected: yes. Observed: 5 variant alleles.
Comment: NBPF10: BP4